The following is an entry in ClinVar:

NM_002878.4(RAD51D):c.643C>T (p.Leu215Phe)

Genes: RAD51L3-RFFL (RAD51L3-RFFL readthrough; minus strand), RAD51D (RAD51 paralog D; minus strand). Cytogenetic location: 17q12.
Variant type: single nucleotide variant.
Coding change: c.643C>T on transcript NM_002878.4 (MANE Select); coding-DNA position 643, C replaced by T.
Protein change: p.Leu215Phe; replaces leucine 215 with phenylalanine.
Molecular consequence: missense variant. On other transcripts: non-coding transcript variant (3).
Genome position (GRCh38, 1-based): chr17:35,103,478, G>A on the plus strand (C>T on the coding strand, the complement: RAD51D is on the minus strand). VCF-style: chr17-35103478-G-A. GRCh37 (hg19) VCF-style: chr17-33430497-G-A.
Other names: c.703C>T, p.Leu235Phe (NM_001142571.2); c.307C>T, p.Leu103Phe (NM_133629.3); short protein forms L103F, L215F, L235F.
Identifiers: ClinVar variation 1753530 (VCV001753530.2), dbSNP rs1597858743, ClinGen allele CA399087876.

ClinVar aggregate classification (germline): Uncertain significance (1 of 4 stars; one submission).

Conditions:
Hereditary cancer-predisposing syndrome. Also called: Neoplastic Syndromes, Hereditary; Tumor predisposition; Hereditary Cancer Syndrome; Hereditary neoplastic syndrome. Identifiers: Orphanet 140162, MedGen C0027672, MeSH D009386, MONDO:0015356.

Submission:

Ambry Genetics
Classification: Uncertain significance for Hereditary cancer-predisposing syndrome. Last evaluated: 2021-06-22. Review status: criteria provided, single submitter. Criteria: Ambry Variant Classification Scheme 2023. Collection method: clinical testing. Allele origin: germline.
Comment: The p.L215F variant (also known as c.643C>T), located in coding exon 7 of the RAD51D gene, results from a C to T substitution at nucleotide position 643. The leucine at codon 215 is replaced by phenylalanine, an amino acid with highly similar properties. This amino acid position is well conserved in available vertebrate species. In addition, this alteration is predicted to be tolerated by in silico analysis. Since supporting evidence is limited at this time, the clinical significance of this alteration remains unclear.